The following is an entry in ClinVar:

ClinVar aggregate classification (germline): Pathogenic. Review status: criteria provided, multiple submitters, no conflicts (2 of 4 stars). 3 submissions from 3 submitters: Pathogenic (2). 1 of the submissions does not count toward it. Last evaluated 2024-01-24.

Conditions:
PHOX2B-related disorder. Also called: PHOX2B-related condition.
Congenital central hypoventilation. Also called: Congenital Central Hypoventilation Syndrome. Identifiers: Orphanet 661, Orphanet 99803, MedGen C1275808, MONDO:0800031. Disease mechanism: gain of function.

Submissions (3):

GeneDx
Classification: Pathogenic. Last evaluated: 2024-01-24. Review status: criteria provided, single submitter. Criteria: GeneDx Variant Classification Process June 2021. Collection method: clinical testing. Allele origin: germline. Affected: yes.
Comment: Frameshift variant predicted to result in abnormal protein length as the last 108 amino acids are replaced with 152 different amino acids, and other similar variants have been reported in HGMD; Not observed at significant frequency in large population cohorts (gnomAD); This variant is associated with the following publications: (PMID: 29098737, 12640453, 33958749, Jeong2020[CaseReport], 15657873, 26375764)

Blueprint Genetics
Classification: Pathogenic for PHOX2B-related disorders. Last evaluated: 2022-05-31. Review status: criteria provided, single submitter. Criteria: ACMG Guidelines, 2015. Collection method: clinical testing. Allele origin: germline. Affected: yes. Observed: 1 variant allele.

OMIM
Classification: Pathogenic for CENTRAL HYPOVENTILATION SYNDROME, CONGENITAL, 1. Last evaluated: 2003-04-01. Review status: no assertion criteria provided. Collection method: literature only. Allele origin: germline. Not counted in ClinVar's aggregate classification.

Literature cited by the submitters: PubMed 12640453 (cited by OMIM).

NM_003924.4(PHOX2B):c.618dup (p.Ser207fs)

Gene: PHOX2B (paired like homeobox 2B; minus strand). Cytogenetic location: 4p13.
Variant type: Duplication.
Coding change: c.618dup on transcript NM_003924.4 (MANE Select); coding-DNA position 618, one base duplicated (C; older notation c.618dupC).
Protein change: p.Ser207fs; shifts the reading frame from serine 207.
Molecular consequence: frameshift variant.
Genome position (GRCh38, 1-based): chr4:41,746,134, G duplicated on the plus strand (C on the coding strand, the reverse complement: PHOX2B is on the minus strand); the first of 5 consecutive G bases (chr4:41,746,134-41,746,138); duplicating any one gives the same sequence. VCF-style (leftmost placement, unchanged base first): chr4-41746133-T-TG. GRCh37 (hg19) VCF-style: chr4-41748150-T-TG.
Other names: short protein forms S207fs.
Identifiers: ClinVar variation 6009 (VCV000006009.5), dbSNP rs587776626, ClinGen allele CA253678.